The following is an entry in ClinVar:

ClinVar aggregate classification (germline): Uncertain significance (1 of 4 stars; one submission).

Conditions:
2-aminoadipic 2-oxoadipic aciduria (AAKAD). Also called: Aminoadipic aciduria; ALPHA-AMINOADIPIC AND ALPHA-KETOADIPIC ACIDURIA. Identifiers: Orphanet 79154, MedGen C1859817, MONDO:0008774, OMIM 204750.

Submission:

Labcorp Genetics (formerly Invitae), Labcorp
Classification: Uncertain significance for 2-aminoadipic 2-oxoadipic aciduria. Last evaluated: 2025-12-09. Review status: criteria provided, single submitter. Criteria: Invitae Variant Classification Sherloc (09022015). Collection method: clinical testing. Allele origin: germline.
Comment: This variant, c.2359_2361del, results in the deletion of 1 amino acid(s) of the DHTKD1 protein (p.Thr787del), but otherwise preserves the integrity of the reading frame. This variant is present in population databases (rs563856629, gnomAD 0.08%). This variant has not been reported in the literature in individuals affected with DHTKD1-related conditions. Experimental studies and prediction algorithms are not available or were not evaluated, and the functional significance of this variant is currently unknown. In summary, the available evidence is currently insufficient to determine the role of this variant in disease. Therefore, it has been classified as a Variant of Uncertain Significance.

NM_018706.7(DHTKD1):c.2356ACA[1] (p.Thr787del)

Gene: DHTKD1 (dehydrogenase E1 and transketolase domain containing 1; plus strand). Cytogenetic location: 10p14.
Variant type: Microsatellite.
Coding change: c.2356ACA[1] on transcript NM_018706.7 (MANE Select); one copy of the 3-base unit ACA starting at c.2356; the reference has two copies in a row; one copy, 3 bases deleted.
Protein change: p.Thr787del; deletes threonine 787.
Molecular consequence: inframe deletion.
Genome position (GRCh38, 1-based): chr10:12,117,712-12,117,714, ACA deleted; deleting any 3 consecutive bases within chr10:12,117,708-12,117,714 gives the same sequence; the position shown is the placement nearest the transcript's 3' end. VCF-style (leftmost placement, unchanged base first): chr10-12117707-GAAC-G. GRCh37 (hg19) VCF-style: chr10-12159706-GAAC-G.
Other names: short protein forms T787del.
Identifiers: ClinVar variation 1485265 (VCV001485265.8), dbSNP rs563856629, ClinGen allele CA5408232.